The following is an entry in ClinVar:

ClinVar aggregate classification (germline): Uncertain significance (1 of 4 stars; one submission).

Conditions:
Joubert syndrome 20 (JBTS20). Identifiers: Orphanet 475, MedGen C3554235, MONDO:0013994, OMIM 614970.
Meckel syndrome, type 11 (MKS11). Identifiers: Orphanet 564, MedGen C3809352, MONDO:0014164, OMIM 615397.

Submission:

Labcorp Genetics (formerly Invitae), Labcorp
Classification: Uncertain significance for Joubert syndrome 20; Meckel syndrome, type 11. Last evaluated: 2022-10-13. Review status: criteria provided, single submitter. Criteria: Invitae Variant Classification Sherloc (09022015). Collection method: clinical testing. Allele origin: germline.
Comment: Algorithms developed to predict the effect of missense changes on protein structure and function are either unavailable or do not agree on the potential impact of this missense change (SIFT: "Tolerated"; PolyPhen-2: "Not Available"; Align-GVGD: "Class C0"). In summary, the available evidence is currently insufficient to determine the role of this variant in disease. Therefore, it has been classified as a Variant of Uncertain Significance. ClinVar contains an entry for this variant (Variation ID: 1046518). This variant has not been reported in the literature in individuals affected with TMEM231-related conditions. This variant is not present in population databases (gnomAD no frequency). This sequence change replaces glutamine, which is neutral and polar, with arginine, which is basic and polar, at codon 271 of the TMEM231 protein (p.Gln271Arg).

NM_001077418.3(TMEM231):c.653A>G (p.Gln218Arg)

Gene: TMEM231 (transmembrane protein 231; minus strand). Cytogenetic location: 16q23.1.
Variant type: single nucleotide variant.
Coding change: c.653A>G on transcript NM_001077418.3 (MANE Select); coding-DNA position 653, A replaced by G.
Protein change: p.Gln218Arg; replaces glutamine 218 with arginine.
Molecular consequence: missense variant. On other transcripts: non-coding transcript variant (1).
Genome position (GRCh38, 1-based): chr16:75,542,613, T>C on the plus strand (A>G on the coding strand, the complement: TMEM231 is on the minus strand). VCF-style: chr16-75542613-T-C. GRCh37 (hg19) VCF-style: chr16-75576511-T-C.
Other names: c.812A>G, p.Gln271Arg (NM_001077416.2); short protein forms Q218R, Q271R.
Identifiers: ClinVar variation 1046518 (VCV001046518.8), dbSNP rs2080639506, ClinGen allele CA396804688.